The following is an entry in ClinVar:

NM_004525.3(LRP2):c.6553C>T (p.Leu2185Phe)

Gene: LRP2 (LDL receptor related protein 2; minus strand). Cytogenetic location: 2q31.1.
Variant type: single nucleotide variant.
Coding change: c.6553C>T on transcript NM_004525.3 (MANE Select); coding-DNA position 6553, C replaced by T.
Protein change: p.Leu2185Phe; replaces leucine 2185 with phenylalanine.
Molecular consequence: missense variant.
Genome position (GRCh38, 1-based): chr2:169,207,167, G>A on the plus strand (C>T on the coding strand, the complement: LRP2 is on the minus strand). VCF-style: chr2-169207167-G-A. GRCh37 (hg19) VCF-style: chr2-170063677-G-A.
Other names: short protein forms L2185F.
Identifiers: ClinVar variation 710928 (VCV000710928.24), dbSNP rs143884041, ClinGen allele CA1954252.

ClinVar aggregate classification (germline): Conflicting classifications of pathogenicity. Review status: criteria provided, conflicting classifications (1 of 4 stars). 7 submissions from 7 submitters: Uncertain significance (3); Likely benign (3). 1 of the submissions does not count toward it. Last evaluated 2026-01-28.

Conditions:
Donnai-Barrow syndrome. Also called: DBS/FOAR SYNDROME; FACIOOCULOACOUSTICORENAL SYNDROME. Identifiers: Orphanet 2143, MedGen C1857277, MONDO:0009104, OMIM 222448.
LRP2-related disorder. Also called: LRP2-related condition.

Allele frequency attached by ClinVar (database versions not stated): ESP Exome Variant Server 0.00031; gnomAD 0.00043 and 0.00049; TOPMed 0.00043; 1000 Genomes Project 30x 0.00047; gnomAD exomes 0.00056 and 0.00073; 1000 Genomes Project 0.00060; ExAC 0.00061.
gnomAD v4.1: 1,147 of 1,613,514 alleles (0.071%); highest among the groups gnomAD compares: South Asian, 0.23%; 4 homozygotes.

Submissions (7):

Labcorp Genetics (formerly Invitae), Labcorp
Classification: Likely benign. Last evaluated: 2026-01-28. Review status: criteria provided, single submitter. Criteria: Invitae Variant Classification Sherloc (09022015). Collection method: clinical testing. Allele origin: germline.

GeneDx
Classification: Uncertain significance. Last evaluated: 2025-10-01. Review status: criteria provided, single submitter. Criteria: GeneDx Variant Classification Process June 2021. Collection method: clinical testing. Allele origin: germline.
Comment: In silico analysis supports that this missense variant has a deleterious effect on protein structure/function; Has not been previously published as pathogenic or benign to our knowledge

Blueprint Genetics
Classification: Likely benign. Last evaluated: 2024-11-06. Review status: criteria provided, single submitter. Criteria: ACMG Guidelines, 2015. Collection method: clinical testing. Allele origin: germline.

Genome-Nilou Lab
Classification: Likely benign for Donnai-Barrow syndrome. Last evaluated: 2021-07-15. Review status: criteria provided, single submitter. Criteria: ACMG Guidelines, 2015. Collection method: clinical testing. Allele origin: germline. Affected: no.

Revvity Omics, Revvity
Classification: Uncertain significance for Donnai-Barrow syndrome. Last evaluated: 2019-12-02. Review status: criteria provided, single submitter. Criteria: ACMG Guidelines, 2015. Collection method: clinical testing. Allele origin: germline.

Illumina Laboratory Services, Illumina
Classification: Uncertain significance for Donnai-Barrow syndrome. Last evaluated: 2018-01-13. Review status: criteria provided, single submitter. Criteria: ICSL Variant Classification Criteria 13 December 2019. Collection method: clinical testing. Allele origin: germline.

PreventionGenetics, part of Exact Sciences
Classification: Likely benign for LRP2-related condition. Last evaluated: 2023-12-23. Review status: no assertion criteria provided. Collection method: clinical testing. Allele origin: germline. Not counted in ClinVar's aggregate classification.
Comment: This variant is classified as likely benign based on ACMG/AMP sequence variant interpretation guidelines (Richards et al. 2015 PMID: 25741868, with internal and published modifications).